The following is an entry in ClinVar:

ClinVar aggregate classification (germline): Uncertain significance. Review status: criteria provided, multiple submitters, no conflicts (2 of 4 stars). 4 submissions from 4 submitters: Uncertain significance (4). Last evaluated 2025-06-19.

Conditions:
Severe intellectual disability-poor language-strabismus-grimacing face-long fingers syndrome (GAND). Also called: GAND SYNDROME. Identifiers: Orphanet 363686, MedGen C3554448, MONDO:0014034, OMIM 615074.

Allele frequency attached by ClinVar (database versions not stated): TOPMed 0.00001; ExAC 0.00002; gnomAD 0.00002; gnomAD exomes 0.00002; ESP Exome Variant Server 0.00008.
gnomAD v4.1: 29 of 1,613,820 alleles (0.0018%); highest among the groups gnomAD compares: East Asian, 0.0067%; no homozygotes.

Submissions (4):

Labcorp Genetics (formerly Invitae), Labcorp
Classification: Uncertain significance. Last evaluated: 2025-06-19. Review status: criteria provided, single submitter. Criteria: Invitae Variant Classification Sherloc (09022015). Collection method: clinical testing. Allele origin: germline.
Comment: This sequence change replaces arginine, which is basic and polar, with histidine, which is basic and polar, at codon 424 of the GATAD2B protein (p.Arg424His). This variant is present in population databases (rs375391021, gnomAD 0.01%). This variant has not been reported in the literature in individuals affected with GATAD2B-related conditions. ClinVar contains an entry for this variant (Variation ID: 435289). Invitae Evidence Modeling of protein sequence and biophysical properties (such as structural, functional, and spatial information, amino acid conservation, physicochemical variation, residue mobility, and thermodynamic stability) indicates that this missense variant is not expected to disrupt GATAD2B protein function with a negative predictive value of 80%. In summary, the available evidence is currently insufficient to determine the role of this variant in disease. Therefore, it has been classified as a Variant of Uncertain Significance.

Genome-Nilou Lab
Classification: Uncertain significance for Severe intellectual disability-poor language-strabismus-grimacing face-long fingers syndrome. Last evaluated: 2023-04-11. Review status: criteria provided, single submitter. Criteria: ACMG Guidelines, 2015. Collection method: clinical testing. Allele origin: germline. Affected: no.

Revvity Omics, Revvity
Classification: Uncertain significance for Severe intellectual disability-poor language-strabismus-grimacing face-long fingers syndrome. Last evaluated: 2019-01-31. Review status: criteria provided, single submitter. Criteria: ACMG Guidelines, 2015. Collection method: clinical testing. Allele origin: germline.

Genetic Services Laboratory, University of Chicago
Classification: Uncertain significance. Last evaluated: 2016-09-14. Review status: criteria provided, single submitter. Criteria: ACMG Guidelines, 2015. Collection method: clinical testing. Allele origin: germline. Affected: no.

NM_020699.4(GATAD2B):c.1271G>A (p.Arg424His)

Gene: GATAD2B (GATA zinc finger domain containing 2B; minus strand). Cytogenetic location: 1q21.3.
Variant type: single nucleotide variant.
Coding change: c.1271G>A on transcript NM_020699.4 (MANE Select); coding-DNA position 1271, G replaced by A.
Protein change: p.Arg424His; replaces arginine 424 with histidine.
Molecular consequence: missense variant.
Genome position (GRCh38, 1-based): chr1:153,813,398, C>T on the plus strand (G>A on the coding strand, the complement: GATAD2B is on the minus strand). VCF-style: chr1-153813398-C-T. GRCh37 (hg19) VCF-style: chr1-153785874-C-T.
Other names: short protein forms R424H.
Identifiers: ClinVar variation 435289 (VCV000435289.19), dbSNP rs375391021, ClinGen allele CA1120669.